The following is an entry in ClinVar:

NM_004655.4(AXIN2):c.275C>G (p.Ala92Gly)

Gene: AXIN2 (axin 2; minus strand). Cytogenetic location: 17q24.1.
Variant type: single nucleotide variant.
Coding change: c.275C>G on transcript NM_004655.4 (MANE Select); coding-DNA position 275, C replaced by G.
Protein change: p.Ala92Gly; replaces alanine 92 with glycine.
Molecular consequence: missense variant.
Genome position (GRCh38, 1-based): chr17:65,558,346, G>C on the plus strand (C>G on the coding strand, the complement: AXIN2 is on the minus strand). VCF-style: chr17-65558346-G-C. GRCh37 (hg19) VCF-style: chr17-63554464-G-C.
Other names: c.275C>G, p.Ala92Gly (NM_001363813.1); short protein forms A92G.
Identifiers: ClinVar variation 3365040 (VCV003365040.1).
Genomic context (GRCh38, chr17:65,558,346, plus strand): 5'-AACCAGAAGTCTAAGGTATCCACGCATTTCTCCCTCTCCAGGAAAGTTCGGAACAGGTAA[G>C]CACCGTCTTGATCGCCCAATAAGGAGTGTAAGGACTTGGTCCACCGGGTCAGAGGGGAAT-3'
Protein context (NP_004646.3, residues 82-102): LHSLLGDQDG[Ala92Gly]YLFRTFLERE

ClinVar aggregate classification (germline): Uncertain significance (1 of 4 stars; one submission).

Submission:

GeneDx
Classification: Uncertain significance. Last evaluated: 2023-11-29. Review status: criteria provided, single submitter. Criteria: GeneDx Variant Classification Process June 2021. Collection method: clinical testing. Allele origin: germline. Affected: yes.
Comment: Not observed at significant frequency in large population cohorts (gnomAD); In silico analysis supports that this missense variant has a deleterious effect on protein structure/function; Has not been previously published as pathogenic or benign to our knowledge; This variant is associated with the following publications: (PMID: 15735151)